The following is an entry in ClinVar:

ClinVar aggregate classification (germline): Conflicting classifications of pathogenicity. Review status: criteria provided, conflicting classifications (1 of 4 stars). 5 submissions from 5 submitters: Uncertain significance (1); Benign (1); Likely benign (3). Last evaluated 2025-02-12.

Conditions:
CRYBB3-related disorder. Also called: CRYBB3-related condition.
Inborn genetic diseases. Identifiers: MedGen C0950123, MeSH D030342.
Cataract 22 multiple types. Also called: Cataract 22; CATARACT 22, NUCLEAR, AUTOSOMAL RECESSIVE; CATARACT 22, MULTIPLE TYPES, AUTOSOMAL DOMINANT. Identifiers: Orphanet 91492, MedGen C1857853, MONDO:0012336, OMIM 609741.

Allele frequency attached by ClinVar (database versions not stated): gnomAD exomes 0.00016 and 0.00047; ExAC 0.00058; 1000 Genomes Project 30x 0.00141; 1000 Genomes Project 0.00160; gnomAD 0.00192 and 0.00202; TOPMed 0.00209; ESP Exome Variant Server 0.00238.

Submissions (5):

PreventionGenetics, part of Exact Sciences
Classification: Likely benign for CRYBB3-related condition. Last evaluated: 2025-02-12. Review status: criteria provided, single submitter. Criteria: ACMG Guidelines, 2015. Collection method: clinical testing. Allele origin: germline.
Comment: This variant is classified as likely benign based on ACMG/AMP sequence variant interpretation guidelines (Richards et al. 2015 PMID: 25741868, with internal and published modifications).

Labcorp Genetics (formerly Invitae), Labcorp
Classification: Benign for Cataract 22 multiple types. Last evaluated: 2025-01-28. Review status: criteria provided, single submitter. Criteria: Invitae Variant Classification Sherloc (09022015). Collection method: clinical testing. Allele origin: germline.

Ambry Genetics
Classification: Uncertain significance for Inborn genetic diseases. Last evaluated: 2021-07-21. Review status: criteria provided, single submitter. Criteria: Ambry Variant Classification Scheme 2023. Collection method: clinical testing. Allele origin: germline.

Illumina Laboratory Services, Illumina
Classification: Likely benign for Cataract 22 multiple types. Last evaluated: 2018-01-12. Review status: criteria provided, single submitter. Criteria: ICSL Variant Classification Criteria 13 December 2019. Collection method: clinical testing. Allele origin: germline.
Comment: This variant was observed in the ICSL laboratory as part of a predisposition screen in an ostensibly healthy population. It had not been previously curated by ICSL or reported in the Human Gene Mutation Database (HGMD: prior to June 1st, 2018), and was therefore a candidate for classification through an automated scoring system. Utilizing variant allele frequency, disease prevalence and penetrance estimates, and inheritance mode, an automated score was calculated to assess if this variant is too frequent to cause the disease. Based on the score and internal cut-off values, a variant classified as likely benign is not then subjected to further curation. The score for this variant resulted in a classification of likely benign for this disease.

Breakthrough Genomics
Classification: Likely benign. Review status: criteria provided, single submitter. Criteria: ACMG Guidelines, 2015. Collection method: not provided. Allele origin: germline. Inheritance: Autosomal dominant inheritance. Affected: yes.

NM_004076.5(CRYBB3):c.125C>T (p.Ser42Leu)

Gene: CRYBB3 (crystallin beta B3; plus strand). Cytogenetic location: 22q11.23.
Variant type: single nucleotide variant.
Coding change: c.125C>T on transcript NM_004076.5 (MANE Select); coding-DNA position 125, C replaced by T.
Protein change: p.Ser42Leu; replaces serine 42 with leucine.
Molecular consequence: missense variant.
Genome position (GRCh38, 1-based): chr22:25,202,723, C>T. VCF-style: chr22-25202723-C-T. GRCh37 (hg19) VCF-style: chr22-25598690-C-T.
Other names: c.125C>T (NM_004076.3); short protein forms S42L.
Identifiers: ClinVar variation 902426 (VCV000902426.11), dbSNP rs145770544, ClinGen allele CA10157677.
Genomic context (GRCh38, chr22:25,202,723, plus strand): 5'-TGCTCTTCTAGGTGATCTTGTACGAACTAGAGAACTTCCAAGGCAAACGCTGCGAGCTCT[C>T]GGCCGAGTGCCCCAGCCTGACCGACAGCCTGCTGGAGAAGGTGGGCTCCATCCAAGTGGA-3'
Protein context (NP_004067.1, residues 32-52): ENFQGKRCEL[Ser42Leu]AECPSLTDSL